The following is an entry in ClinVar:

ClinVar aggregate classification (germline): Uncertain significance (1 of 4 stars; one submission).

Submission:

Ambry Genetics
Classification: Uncertain significance. Last evaluated: 2022-09-13. Review status: criteria provided, single submitter. Criteria: Ambry Variant Classification Scheme 2023. Collection method: clinical testing. Allele origin: germline.
Comment: The p.K1775E variant (also known as c.5323A>G), located in coding exon 4 of the ALPK2 gene, results from an A to G substitution at nucleotide position 5323. The lysine at codon 1775 is replaced by glutamic acid, an amino acid with similar properties. This amino acid position is conserved. In addition, this alteration is predicted to be tolerated by in silico analysis. Since supporting evidence is limited at this time, the clinical significance of this alteration remains unclear.

NM_052947.4(ALPK2):c.5323A>G (p.Lys1775Glu)

Genes: ALPK2 (alpha kinase 2; minus strand), LOC130062577 (ATAC-STARR-seq lymphoblastoid active region 13389; plus strand). Cytogenetic location: 18q21.31.
Variant type: single nucleotide variant.
Coding change: c.5323A>G on transcript NM_052947.4 (MANE Select); coding-DNA position 5323, A replaced by G.
Protein change: p.Lys1775Glu; replaces lysine 1775 with glutamic acid.
Molecular consequence: missense variant.
Genome position (GRCh38, 1-based): chr18:58,534,864, T>C on the plus strand (A>G on the coding strand, the complement: ALPK2 is on the minus strand). VCF-style: chr18-58534864-T-C. GRCh37 (hg19) VCF-style: chr18-56202096-T-C.
Other names: short protein forms K1775E.
Identifiers: ClinVar variation 1746837 (VCV001746837.2), dbSNP rs2518873121, ClinGen allele CA402557038.